The following is an entry in ClinVar:

ClinVar aggregate classification (germline): Likely benign. Review status: criteria provided, single submitter (1 of 4 stars). 2 submissions from 2 submitters: Likely benign (1). 1 of the submissions does not count toward it. Last evaluated 2026-01-19.

Conditions:
MYO18B-related disorder. Also called: MYO18B-related condition.

Allele frequency attached by ClinVar (database versions not stated): gnomAD 0.00001; gnomAD exomes 0.00001.
gnomAD v4.1: 9 of 1,607,264 alleles (0.00056%); highest among the groups gnomAD compares: Non-Finnish European, 0.00076%; no homozygotes.

Submissions (2):

Labcorp Genetics (formerly Invitae), Labcorp
Classification: Likely benign. Last evaluated: 2026-01-19. Review status: criteria provided, single submitter. Criteria: Invitae Variant Classification Sherloc (09022015). Collection method: clinical testing. Allele origin: germline.

PreventionGenetics, part of Exact Sciences
Classification: Likely benign for MYO18B-related condition. Last evaluated: 2019-03-05. Review status: no assertion criteria provided. Collection method: clinical testing. Allele origin: germline. Not counted in ClinVar's aggregate classification.
Comment: This variant is classified as likely benign based on ACMG/AMP sequence variant interpretation guidelines (Richards et al. 2015 PMID: 25741868, with internal and published modifications).

NM_032608.7(MYO18B):c.6804C>T (p.Ser2268=)

Gene: MYO18B (myosin XVIIIB; plus strand). Cytogenetic location: 22q12.1.
Variant type: single nucleotide variant.
Coding change: c.6804C>T on transcript NM_032608.7 (MANE Select); coding-DNA position 6804, C replaced by T.
Protein change: p.Ser2268=; no amino-acid change (serine 2268 retained).
Molecular consequence: synonymous variant.
Genome position (GRCh38, 1-based): chr22:26,026,778, C>T. VCF-style: chr22-26026778-C-T. GRCh37 (hg19) VCF-style: chr22-26422744-C-T.
Other names: c.6804C>T (NM_032608.6); c.6807C>T, p.Ser2269= (NM_001318245.2).
Identifiers: ClinVar variation 2185157 (VCV002185157.6), dbSNP rs1202515854, ClinGen allele CA514162869.